The following is an entry in ClinVar:

ClinVar aggregate classification (germline): Uncertain significance. Review status: criteria provided, multiple submitters, no conflicts (2 of 4 stars). 2 submissions from 2 submitters: Uncertain significance (2). Last evaluated 2025-05-17.

Conditions:
Inborn genetic diseases. Identifiers: MedGen C0950123, MeSH D030342.
Focal segmental glomerulosclerosis 5 (FSGS5). Identifiers: Orphanet 656, MedGen C2750475, MONDO:0013191, OMIM 613237.
Charcot-Marie-Tooth disease dominant intermediate E. Also called: CHARCOT-MARIE-TOOTH NEUROPATHY WITH FOCAL SEGMENTAL GLOMERULONEPHRITIS. Identifiers: Orphanet 93114, MedGen C4302667, MONDO:0013758, OMIM 614455.

Allele frequency attached by ClinVar (database versions not stated): TOPMed 0.00001.
gnomAD v4.1: 4 of 1,613,642 alleles (0.00025%); highest among the groups gnomAD compares: Non-Finnish European, 0.00034%; no homozygotes.

Submissions (2):

Labcorp Genetics (formerly Invitae), Labcorp
Classification: Uncertain significance for Charcot-Marie-Tooth disease dominant intermediate E; Focal segmental glomerulosclerosis 5. Last evaluated: 2025-05-17. Review status: criteria provided, single submitter. Criteria: Invitae Variant Classification Sherloc (09022015). Collection method: clinical testing. Allele origin: germline.
Comment: This sequence change replaces lysine, which is basic and polar, with glutamic acid, which is acidic and polar, at codon 1244 of the INF2 protein (p.Lys1244Glu). This variant is not present in population databases (gnomAD no frequency). This variant has not been reported in the literature in individuals affected with INF2-related conditions. ClinVar contains an entry for this variant (Variation ID: 957590). Invitae Evidence Modeling of protein sequence and biophysical properties (such as structural, functional, and spatial information, amino acid conservation, physicochemical variation, residue mobility, and thermodynamic stability) indicates that this missense variant is not expected to disrupt INF2 protein function with a negative predictive value of 95%. In summary, the available evidence is currently insufficient to determine the role of this variant in disease. Therefore, it has been classified as a Variant of Uncertain Significance.

Ambry Genetics
Classification: Uncertain significance for Inborn genetic diseases. Last evaluated: 2024-10-20. Review status: criteria provided, single submitter. Criteria: Ambry Variant Classification Scheme 2023. Collection method: clinical testing. Allele origin: germline.

NM_022489.4(INF2):c.3730A>G (p.Lys1244Glu)

Gene: INF2 (inverted formin 2; plus strand). Cytogenetic location: 14q32.33.
Variant type: single nucleotide variant.
Coding change: c.3730A>G on transcript NM_022489.4 (MANE Select); coding-DNA position 3730, A replaced by G.
Protein change: p.Lys1244Glu; replaces lysine 1244 with glutamic acid.
Molecular consequence: missense variant. On other transcripts: intron variant (1).
Genome position (GRCh38, 1-based): chr14:104,715,319, A>G. VCF-style: chr14-104715319-A-G. GRCh37 (hg19) VCF-style: chr14-105181656-A-G.
Other names: c.3694+463A>G (NM_001031714.4); short protein forms K1244E.
Identifiers: ClinVar variation 957590 (VCV000957590.10), dbSNP rs1323987101, ClinGen allele CA391226272.
Genomic context (GRCh38, chr14:104,715,319, plus strand): 5'-GTGCGTTTCTTTTATTTGGAAGCAGAGGTTCCCCCTGATTCTGATGATAATAAAACAAAG[A>G]AACTGTGTGTGATCCAGTAAGGTATGTACGCAGCCGGCGCTCCGTGGGGGCTAACAGCAG-3'
Protein context (NP_071934.3, residues 1234-1249): PPDSDDNKTK[Lys1244Glu]LCVIQ